The following is an entry in ClinVar:

NM_013339.4(ALG6):c.671A>G (p.Lys224Arg)

Gene: ALG6 (ALG6 alpha-1,3-glucosyltransferase; plus strand). Cytogenetic location: 1p31.3.
Variant type: single nucleotide variant.
Coding change: c.671A>G on transcript NM_013339.4 (MANE Select); coding-DNA position 671, A replaced by G.
Protein change: p.Lys224Arg; replaces lysine 224 with arginine.
Molecular consequence: missense variant.
Genome position (GRCh38, 1-based): chr1:63,411,322, A>G. VCF-style: chr1-63411322-A-G. GRCh37 (hg19) VCF-style: chr1-63876993-A-G.
Other names: c.671A>G, p.Lys224Arg (LRG_1260t1); short protein forms K224R.
Identifiers: ClinVar variation 640169 (VCV000640169.14), dbSNP rs140879997, ClinGen allele CA23806598.

ClinVar aggregate classification (germline): Conflicting classifications of pathogenicity. Review status: criteria provided, conflicting classifications (1 of 4 stars). 4 submissions from 4 submitters: Uncertain significance (2); Likely benign (1). 1 of the submissions does not count toward it. Last evaluated 2025-08-29.

Conditions:
Inborn genetic diseases. Identifiers: MedGen C0950123, MeSH D030342.
ALG6-congenital disorder of glycosylation 1C (CDG1C). Also called: Congenital disorder of glycosylation, type Ic; CDG Ic; CARBOHYDRATE-DEFICIENT GLYCOPROTEIN SYNDROME, TYPE I, WITH DEFICIENT GLYCOSYLATION OF DOLICHOL-LINKED OLIGOSACCHARIDE; CARBOHYDRATE-DEFICIENT GLYCOPROTEIN SYNDROME, TYPE V; Congenital disorder of glycosylation type 1C. Identifiers: Orphanet 79320, MedGen C2930997, MONDO:0011291, OMIM 603147.

Allele frequency attached by ClinVar (database versions not stated): TOPMed below 0.00001; gnomAD exomes 0.00001 and 0.00003; ESP Exome Variant Server 0.00008.
gnomAD v4.1: 36 of 1,613,700 alleles (0.0022%); highest among the groups gnomAD compares: Middle Eastern, 0.017%; no homozygotes.

Submissions (4):

Ambry Genetics
Classification: Likely benign for Inborn genetic diseases. Last evaluated: 2025-08-29. Review status: criteria provided, single submitter. Criteria: Ambry Variant Classification Scheme 2023. Collection method: clinical testing. Allele origin: germline.

Labcorp Genetics (formerly Invitae), Labcorp
Classification: Uncertain significance for ALG6-congenital disorder of glycosylation 1C. Last evaluated: 2022-03-14. Review status: criteria provided, single submitter. Criteria: Invitae Variant Classification Sherloc (09022015). Collection method: clinical testing. Allele origin: germline.
Comment: This sequence change replaces lysine, which is basic and polar, with arginine, which is basic and polar, at codon 224 of the ALG6 protein (p.Lys224Arg). This variant is present in population databases (rs140879997, gnomAD 0.0009%). This variant has not been reported in the literature in individuals affected with ALG6-related conditions. ClinVar contains an entry for this variant (Variation ID: 640169). Algorithms developed to predict the effect of missense changes on protein structure and function output the following: SIFT: "Tolerated"; PolyPhen-2: "Benign"; Align-GVGD: "Class C0". The arginine amino acid residue is found in multiple mammalian species, which suggests that this missense change does not adversely affect protein function. In summary, the available evidence is currently insufficient to determine the role of this variant in disease. Therefore, it has been classified as a Variant of Uncertain Significance.

Illumina Laboratory Services, Illumina
Classification: Uncertain significance for ALG6-congenital disorder of glycosylation 1C. Last evaluated: 2018-01-13. Review status: criteria provided, single submitter. Criteria: ICSL Variant Classification Criteria 13 December 2019. Collection method: clinical testing. Allele origin: germline.

Natera, Inc.
Classification: Uncertain significance for Congenital disorder of glycosylation type 1c. Last evaluated: 2021-09-09. Review status: no assertion criteria provided. Collection method: clinical testing. Allele origin: germline. Not counted in ClinVar's aggregate classification.